The following is an entry in ClinVar:

ClinVar aggregate classification (germline): Uncertain significance. Review status: criteria provided, multiple submitters, no conflicts (2 of 4 stars). 2 submissions from 2 submitters: Uncertain significance (2). Last evaluated 2023-12-22.

Conditions:
Hereditary cancer-predisposing syndrome. Also called: Hereditary Cancer Syndrome; Tumor predisposition; Hereditary neoplastic syndrome; Neoplastic Syndromes, Hereditary. Identifiers: Orphanet 140162, MedGen C0027672, MeSH D009386, MONDO:0015356.
Gorlin syndrome. Also called: Nevoid Basal Cell Carcinoma Syndrome; Basal cell nevus syndrome. Identifiers: Orphanet 377, MedGen C0004779, MONDO:0007187.

Submissions (2):

Ambry Genetics
Classification: Uncertain significance for Hereditary cancer-predisposing syndrome. Last evaluated: 2023-12-22. Review status: criteria provided, single submitter. Criteria: Ambry Variant Classification Scheme 2023. Collection method: clinical testing. Allele origin: germline.
Comment: The c.11_12delCTinsGG variant, located in coding exon 1 of the PTCH1 gene, results from an in-frame deletion of CT and insertion of GG at nucleotide positions 11 to 12. This results in the substitution of the alanine residue for a glycine residue at codon 4, an amino acid with similar properties. This amino acid position is well conserved in available vertebrate species. In addition, this alteration is predicted to be neutral by in silico analysis (Choi Y et al. PLoS ONE. 2012; 7(10):e46688). Since supporting evidence is limited at this time, the clinical significance of this alteration remains unclear.

Labcorp Genetics (formerly Invitae), Labcorp
Classification: Uncertain significance for Gorlin syndrome. Last evaluated: 2020-02-13. Review status: criteria provided, single submitter. Criteria: Invitae Variant Classification Sherloc (09022015). Collection method: clinical testing. Allele origin: germline.
Comment: This sequence change replaces alanine with glycine at codon 4 of the PTCH1 protein (p.Ala4Gly). The alanine residue is weakly conserved and there is a small physicochemical difference between alanine and glycine. The frequency data for this variant in the population databases is considered unreliable, as metrics indicate insufficient coverage at this position in the ExAC database. This variant has not been reported in the literature in individuals with PTCH1-related conditions. Algorithms developed to predict the effect of missense changes on protein structure and function (SIFT, PolyPhen-2, Align-GVGD) all suggest that this variant is likely to be tolerated, but these predictions have not been confirmed by published functional studies and their clinical significance is uncertain. In summary, the available evidence is currently insufficient to determine the role of this variant in disease. Therefore, it has been classified as a Variant of Uncertain Significance.

NM_000264.5(PTCH1):c.11_12delinsGG (p.Ala4Gly)

Genes: PTCH1 (patched 1; minus strand), LOC130002133 (ATAC-STARR-seq lymphoblastoid silent region 20071; plus strand). Cytogenetic location: 9q22.32.
Variant type: Indel.
Coding change: c.11_12delinsGG on transcript NM_000264.5 (MANE Select); coding-DNA positions 11 to 12, CT replaced by GG.
Protein change: p.Ala4Gly; replaces alanine 4 with glycine.
Molecular consequence: missense variant. On other transcripts: non-coding transcript variant (1), intron variant (3).
Genome position (GRCh38, 1-based): chr9:95,508,350-95,508,351, AG replaced by CC on the plus strand (CT replaced by GG on the coding strand, the reverse complement: PTCH1 is on the minus strand). VCF-style: chr9-95508350-AG-CC. GRCh37 (hg19) VCF-style: chr9-98270632-AG-CC.
Other names: c.11_12delinsGG, p.Ala4Gly (NM_001354918.2); c.199-1752_199-1751delinsGG (NM_001083603.3); c.4-1752_4-1751delinsGG (NM_001083602.3, NM_001354919.2); c.11_12delCTinsGG (NM_000264.3); short protein forms A4G.
Identifiers: ClinVar variation 1051915 (VCV001051915.8), dbSNP rs2118910638, ClinGen allele CA2499220096.